The following is an entry in ClinVar:

ClinVar aggregate classification (germline): Conflicting classifications of pathogenicity. Review status: criteria provided, conflicting classifications (1 of 4 stars). 9 submissions from 9 submitters: Uncertain significance (7); Likely benign (1). 1 of the submissions does not count toward it. Last evaluated 2026-03-25.

Conditions:
Hereditary cancer-predisposing syndrome. Also called: Tumor predisposition; Neoplastic Syndromes, Hereditary; Hereditary neoplastic syndrome; Hereditary Cancer Syndrome. Identifiers: Orphanet 140162, MedGen C0027672, MeSH D009386, MONDO:0015356.
Familial cancer of breast. Also called: BREAST CANCER, FAMILIAL; hereditary breast carcinoma; Hereditary breast cancer. Identifiers: Orphanet 227535, MedGen C0346153, MONDO:0016419, OMIM 114480. Disease mechanism: loss of function.
Malignant tumor of breast. Also called: Malignant breast neoplasm; Cancer breast. Identifiers: MedGen C0006142, MONDO:0007254. Disease mechanism: loss of function.

Allele frequency attached by ClinVar (database versions not stated): gnomAD 0.00001; gnomAD exomes 0.00001 and 0.00002; ExAC 0.00002; TOPMed 0.00002.
gnomAD v4.1: 31 of 1,614,022 alleles (0.0019%); highest among the groups gnomAD compares: Non-Finnish European, 0.0026%; no homozygotes.

Submissions (9):

Ambry Genetics
Classification: Likely benign for Hereditary cancer-predisposing syndrome. Last evaluated: 2026-03-25. Review status: criteria provided, single submitter. Criteria: Ambry Variant Classification Scheme 2023. Collection method: clinical testing. Allele origin: germline.

Labcorp Genetics (formerly Invitae), Labcorp
Classification: Uncertain significance for Familial cancer of breast. Last evaluated: 2025-12-15. Review status: criteria provided, single submitter. Criteria: Invitae Variant Classification Sherloc (09022015). Collection method: clinical testing. Allele origin: germline.
Comment: This sequence change replaces aspartic acid, which is acidic and polar, with glycine, which is neutral and non-polar, at codon 765 of the BARD1 protein (p.Asp765Gly). This variant is present in population databases (rs730881426, gnomAD 0.002%). This variant has not been reported in the literature in individuals affected with BARD1-related conditions. ClinVar contains an entry for this variant (Variation ID: 182057). An algorithm developed to predict the effect of missense changes on protein structure and function outputs the following: PolyPhen-2: "Benign". The glycine amino acid residue is found in multiple mammalian species, which suggests that this missense change does not adversely affect protein function. In summary, the available evidence is currently insufficient to determine the role of this variant in disease. Therefore, it has been classified as a Variant of Uncertain Significance.

Institute for Biomarker Research, Medical Diagnostic Laboratories, L.L.C.
Classification: Uncertain significance for Hereditary cancer-predisposing syndrome. Last evaluated: 2024-12-23. Review status: criteria provided, single submitter. Criteria: ACMG Guidelines, 2015. Collection method: clinical testing. Allele origin: germline.
Comment: The missense variant NM_000465.4(BARD1):c.2294A>G (p.Asp765Gly) has not been reported previously as a pathogenic variant nor as a benign variant, to our knowledge. The p.Asp765Gly variant is observed in 2/113,534 (0.0018%) alleles from individuals of gnomAD Non Finnish European background in gnomAD. The p.Asp765Gly variant is novel (not in any individuals) in 1kG. There is a moderate physicochemical difference between aspartic acid and glycine. The nucleotide c.2294 in BARD1 is predicted conserved by GERP++ and PhyloP across 100 vertebrates. For these reasons, this variant has been classified as Uncertain Significance.

GeneDx
Classification: Uncertain significance. Last evaluated: 2023-12-13. Review status: criteria provided, single submitter. Criteria: GeneDx Variant Classification Process June 2021. Collection method: clinical testing. Allele origin: germline. Affected: yes.
Comment: Not observed at significant frequency in large population cohorts (gnomAD); In silico analysis supports that this missense variant has a deleterious effect on protein structure/function; Absent from cases but present in controls in a breast cancer case-control study (PMID: 33471991); This variant is associated with the following publications: (PMID: 36530327, 17550235, 33471991)

Baylor Genetics
Classification: Uncertain significance for Familial cancer of breast. Last evaluated: 2023-09-03. Review status: criteria provided, single submitter. Criteria: ACMG Guidelines, 2015. Collection method: clinical testing. Allele origin: unknown.

Blueprint Genetics
Classification: Uncertain significance. Last evaluated: 2023-05-17. Review status: criteria provided, single submitter. Criteria: ACMG Guidelines, 2015. Collection method: clinical testing. Allele origin: germline.

Women's Health and Genetics/Laboratory Corporation of America, LabCorp
Classification: Uncertain significance. Last evaluated: 2021-03-13. Review status: criteria provided, single submitter. Criteria: LabCorp Variant Classification Summary - May 2015. Collection method: clinical testing. Allele origin: germline.
Comment: Variant summary: BARD1 c.2294A>G (p.Asp765Gly) results in a non-conservative amino acid change located in the BRCT domain of the encoded protein sequence. Three of five in-silico tools predict a damaging effect of the variant on protein function. The variant allele was found at a frequency of 8e-06 in 251214 control chromosomes. The available data on variant occurrences in the general population are insufficient to allow any conclusion about variant significance. To our knowledge, no occurrence of c.2294A>G in individuals affected with Hereditary Breast And Ovarian Cancer Syndrome and no experimental evidence demonstrating its impact on protein function have been reported. Four clinical diagnostic laboratories have submitted clinical-significance assessments for this variant to ClinVar after 2014 without evidence for independent evaluation. All laboratories classified the variant as uncertain significance. Based on the evidence outlined above, the variant was classified as uncertain significance.

Color Diagnostics, LLC DBA Color Health
Classification: Uncertain significance for Hereditary cancer-predisposing syndrome. Last evaluated: 2019-05-06. Review status: criteria provided, single submitter. Criteria: ACMG Guidelines, 2015. Collection method: clinical testing. Allele origin: germline.

Department of Pathology and Laboratory Medicine, Sinai Health System
Classification: Uncertain significance for Malignant tumor of breast. Review status: no assertion criteria provided. Collection method: clinical testing. Allele origin: unknown. Affected: yes. Study: The Canadian Open Genetics Repository (COGR). Not counted in ClinVar's aggregate classification.
Comment: The BARD1 p.Asp765Gly variant was not identified in the literature. The variant was identified in dbSNP (ID: rs730881426) as "With Uncertain significance allele", and in ClinVar (classified as uncertain significance by Invitae, Ambry Genetics and GeneDx). The variant was identified in control databases in 2 of 245978 chromosomes at a frequency of 0.000008 (Genome Aggregation Database Feb 27, 2017). The variant was observed in the European population in 2 of 111460 chromosomes (freq: 0.00002), but was not observed in the African, Other, Latino, Ashkenazi Jewish, East Asian, Finnish, or South Asian populations. The p.Asp765 residue is not conserved in mammals and computational analyses (PolyPhen-2, SIFT, AlignGVGD, BLOSUM, MutationTaster) provide inconsistent predictions regarding the impact to the protein; this information is not very predictive of pathogenicity. The variant occurs outside of the splicing consensus sequence and in silico or computational prediction software programs (SpliceSiteFinder, MaxEntScan, NNSPLICE, GeneSplicer) do not predict a difference in splicing. In summary, based on the above information the clinical significance of this variant cannot be determined with certainty at this time. This variant is classified as a variant of uncertain significance.

NM_000465.4(BARD1):c.2294A>G (p.Asp765Gly)

Gene: BARD1 (BRCA1 associated RING domain 1; minus strand). Cytogenetic location: 2q35.
Variant type: single nucleotide variant.
Coding change: c.2294A>G on transcript NM_000465.4 (MANE Select); coding-DNA position 2294, A replaced by G.
Protein change: p.Asp765Gly; replaces aspartic acid 765 with glycine.
Molecular consequence: missense variant. On other transcripts: non-coding transcript variant (3).
Genome position (GRCh38, 1-based): chr2:214,728,716, T>C on the plus strand (A>G on the coding strand, the complement: BARD1 is on the minus strand). VCF-style: chr2-214728716-T-C. GRCh37 (hg19) VCF-style: chr2-215593440-T-C.
Other names: p.D765G:GAC>GGC; c.2237A>G, p.Asp746Gly (NM_001282543.2); c.941A>G, p.Asp314Gly (NM_001282545.2); c.884A>G, p.Asp295Gly (NM_001282548.2); c.755A>G, p.Asp252Gly (NM_001282549.2); short protein forms D765G, D252G, D314G, D295G, D746G.
Identifiers: ClinVar variation 182057 (VCV000182057.28), dbSNP rs730881426, ClinGen allele CA298486.